The following is an entry in ClinVar:

ClinVar aggregate classification (germline): Conflicting classifications of pathogenicity. Review status: criteria provided, conflicting classifications (1 of 4 stars). 7 submissions from 7 submitters: Uncertain significance (4); Likely benign (2). 1 of the submissions does not count toward it. Last evaluated 2025-07-01.

Conditions:
Congenital dyserythropoietic anemia, type I. Also called: Dyserythropoietic anemia, congenital type 1. Identifiers: Orphanet 98869, MedGen C0271933, MONDO:0020337. Disease mechanism: loss of function.
CDAN1-related disorder. Also called: CDAN1-related condition.

Allele frequency attached by ClinVar (database versions not stated): ExAC 0.00005; gnomAD exomes 0.00016; TOPMed 0.00029; gnomAD 0.00045 and 0.00046.

Submissions (7):

CeGaT Center for Human Genetics Tuebingen
Classification: Likely benign. Last evaluated: 2025-07-01. Review status: criteria provided, single submitter. Criteria: CeGaT Center For Human Genetics Tuebingen Variant Classification Criteria Version 2. Collection method: clinical testing. Allele origin: germline. Affected: yes. Observed: 2 variant alleles.
Comment: CDAN1: BP4, BP7

Blueprint Genetics
Classification: Likely benign. Last evaluated: 2024-09-20. Review status: criteria provided, single submitter. Criteria: ACMG Guidelines, 2015. Collection method: clinical testing. Allele origin: germline.

Labcorp Genetics (formerly Invitae), Labcorp
Classification: Uncertain significance. Last evaluated: 2022-10-05. Review status: criteria provided, single submitter. Criteria: Invitae Variant Classification Sherloc (09022015). Collection method: clinical testing. Allele origin: germline.
Comment: This sequence change affects codon 956 of the CDAN1 mRNA. It is a 'silent' change, meaning that it does not change the encoded amino acid sequence of the CDAN1 protein. It affects a nucleotide within the consensus splice site. This variant is present in population databases (rs150438471, gnomAD 0.09%). This variant has not been reported in the literature in individuals affected with CDAN1-related conditions. ClinVar contains an entry for this variant (Variation ID: 315927). Algorithms developed to predict the effect of sequence changes on RNA splicing suggest that this variant is not likely to affect RNA splicing. In summary, the available evidence is currently insufficient to determine the role of this variant in disease. Therefore, it has been classified as a Variant of Uncertain Significance.

Mayo Clinic Laboratories, Mayo Clinic
Classification: Uncertain significance. Last evaluated: 2019-05-16. Review status: criteria provided, single submitter. Criteria: ACMG Guidelines, 2015. Collection method: clinical testing. Allele origin: germline. Observed: 1 variant allele.

Illumina Laboratory Services, Illumina
Classification: Uncertain significance for Anemia, congenital dyserythropoietic, type 1a. Last evaluated: 2018-01-13. Review status: criteria provided, single submitter. Criteria: ICSL Variant Classification Criteria 13 December 2019. Collection method: clinical testing. Allele origin: germline.

Breakthrough Genomics
Classification: Uncertain significance. Review status: criteria provided, single submitter. Criteria: ACMG Guidelines, 2015. Collection method: not provided. Allele origin: germline. Inheritance: Autosomal recessive inheritance. Affected: yes.

PreventionGenetics, part of Exact Sciences
Classification: Likely benign for CDAN1-related condition. Last evaluated: 2024-02-11. Review status: no assertion criteria provided. Collection method: clinical testing. Allele origin: germline. Not counted in ClinVar's aggregate classification.
Comment: This variant is classified as likely benign based on ACMG/AMP sequence variant interpretation guidelines (Richards et al. 2015 PMID: 25741868, with internal and published modifications).

NM_138477.4(CDAN1):c.2868C>T (p.Ala956=)

Gene: CDAN1 (codanin 1; minus strand). Cytogenetic location: 15q15.2.
Variant type: single nucleotide variant.
Coding change: c.2868C>T on transcript NM_138477.4 (MANE Select); coding-DNA position 2868, C replaced by T.
Protein change: p.Ala956=; no amino-acid change (alanine 956 retained).
Molecular consequence: synonymous variant.
Genome position (GRCh38, 1-based): chr15:42,728,204, G>A on the plus strand (C>T on the coding strand, the complement: CDAN1 is on the minus strand). VCF-style: chr15-42728204-G-A. GRCh37 (hg19) VCF-style: chr15-43020402-G-A.
Other names: c.2868C>T, p.Ala956= (LRG_1164t1).
Identifiers: ClinVar variation 315927 (VCV000315927.25), dbSNP rs150438471, ClinGen allele CA7515429.